The following is an entry in ClinVar:

NM_001130438.3(SPTAN1):c.1661G>A (p.Arg554His)

Gene: SPTAN1 (spectrin alpha, non-erythrocytic 1; plus strand). Cytogenetic location: 9q34.11.
Variant type: single nucleotide variant.
Coding change: c.1661G>A on transcript NM_001130438.3 (MANE Select); coding-DNA position 1661, G replaced by A.
Protein change: p.Arg554His; replaces arginine 554 with histidine.
Molecular consequence: missense variant.
Genome position (GRCh38, 1-based): chr9:128,582,704, G>A. VCF-style: chr9-128582704-G-A. GRCh37 (hg19) VCF-style: chr9-131344983-G-A.
Other names: c.1661G>A, p.Arg554His (NM_001195532.2, NM_001363759.2, NM_001363765.2 and 5 more transcripts); c.1697G>A, p.Arg566His (NM_001375312.2, NM_001375318.1); short protein forms R566H, R554H.
Identifiers: ClinVar variation 2958294 (VCV002958294.3), dbSNP rs767550664, ClinGen allele CA5264481.

ClinVar aggregate classification (germline): Uncertain significance (1 of 4 stars; one submission).

Conditions:
Early-infantile DEE. Also called: Early infantile epileptic encephalopathy with suppression bursts; Early infantile epileptic encephalopathy; Ohtahara syndrome. Identifiers: Orphanet 1934, MedGen C0393706, MONDO:0800491.

Allele frequency attached by ClinVar (database versions not stated): gnomAD 0.00002; ExAC 0.00002.
gnomAD v4.1: 16 of 1,613,220 alleles (0.00099%); highest among the groups gnomAD compares: Admixed American, 0.0017%; no homozygotes.

Submission:

Labcorp Genetics (formerly Invitae), Labcorp
Classification: Uncertain significance for Early-infantile DEE. Last evaluated: 2023-02-15. Review status: criteria provided, single submitter. Criteria: Invitae Variant Classification Sherloc (09022015). Collection method: clinical testing. Allele origin: germline.
Comment: This sequence change replaces arginine, which is basic and polar, with histidine, which is basic and polar, at codon 554 of the SPTAN1 protein (p.Arg554His). This variant is present in population databases (rs767550664, gnomAD 0.003%). This variant has not been reported in the literature in individuals affected with SPTAN1-related conditions. Advanced modeling of protein sequence and biophysical properties (such as structural, functional, and spatial information, amino acid conservation, physicochemical variation, residue mobility, and thermodynamic stability) has been performed at Invitae for this missense variant, however the output from this modeling did not meet the statistical confidence thresholds required to predict the impact of this variant on SPTAN1 protein function. In summary, the available evidence is currently insufficient to determine the role of this variant in disease. Therefore, it has been classified as a Variant of Uncertain Significance.